The following is an entry in ClinVar:

NM_152419.3(HGSNAT):c.117A>C (p.Arg39=)

Genes: HGSNAT (heparan-alpha-glucosaminide N-acetyltransferase; plus strand), LOC130000316 (ATAC-STARR-seq lymphoblastoid silent region 19164; plus strand). Cytogenetic location: 8p11.21.
Variant type: single nucleotide variant.
Coding change: c.117A>C on transcript NM_152419.3 (MANE Select); coding-DNA position 117, A replaced by C.
Protein change: p.Arg39=; no amino-acid change (arginine 39 retained).
Molecular consequence: synonymous variant. On other transcripts: 5 prime UTR variant (1).
Genome position (GRCh38, 1-based): chr8:43,140,613, A>C. VCF-style: chr8-43140613-A-C. GRCh37 (hg19) VCF-style: chr8-42995756-A-C.
Other names: c.117A>C, p.Arg39= (NM_001363227.2, NM_001363228.2); c.-717A>C (NM_001363229.2).
Identifiers: ClinVar variation 1464819 (VCV001464819.6), dbSNP rs1802484828, ClinGen allele CA460574610.

ClinVar aggregate classification (germline): Uncertain significance (1 of 4 stars; one submission).

Conditions:
Mucopolysaccharidosis, MPS-III-C (MPS3C). Also called: SANFILIPPO SYNDROME C; MPS III C; MPS IIIC (Sanfilippo Syndrome Type C); MUCOPOLYSACCHARIDOSIS, TYPE IIIC; Mucopolysaccharidosis type IIIC (Sanfilippo C); mucopolysaccharidosis type 3C. Identifiers: Orphanet 581, Orphanet 79271, MedGen C0086649, MONDO:0009657, OMIM 252930.
Retinitis pigmentosa 73 (RP73). Identifiers: Orphanet 791, MedGen C4225287, MONDO:0014687, OMIM 616544.

Submission:

Labcorp Genetics (formerly Invitae), Labcorp
Classification: Uncertain significance for Retinitis pigmentosa 73; Mucopolysaccharidosis, MPS-III-C. Last evaluated: 2021-11-08. Review status: criteria provided, single submitter. Criteria: Invitae Variant Classification Sherloc (09022015). Collection method: clinical testing. Allele origin: germline.
Comment: Algorithms developed to predict the effect of sequence changes on RNA splicing suggest that this variant is not likely to affect RNA splicing. In summary, the available evidence is currently insufficient to determine the role of this variant in disease. Therefore, it has been classified as a Variant of Uncertain Significance. This variant has not been reported in the literature in individuals affected with HGSNAT-related conditions. This variant is not present in population databases (gnomAD no frequency). This sequence change affects codon 39 of the HGSNAT mRNA. It is a 'silent' change, meaning that it does not change the encoded amino acid sequence of the HGSNAT protein. It affects a nucleotide within the consensus splice site.